The following is an entry in ClinVar:

ClinVar aggregate classification (germline): Uncertain significance (1 of 4 stars; one submission).

Conditions:
Epileptic encephalopathy. Identifiers: MedGen C0543888, HP:0200134.

Submission:

Labcorp Genetics (formerly Invitae), Labcorp
Classification: Uncertain significance for Epileptic encephalopathy. Last evaluated: 2025-11-28. Review status: criteria provided, single submitter. Criteria: Invitae Variant Classification Sherloc (09022015). Collection method: clinical testing. Allele origin: germline.
Comment: This sequence change replaces phenylalanine, which is neutral and non-polar, with tyrosine, which is neutral and polar, at codon 467 of the FASN protein (p.Phe467Tyr). This variant is present in population databases (rs763441800, gnomAD 0.003%). This variant has not been reported in the literature in individuals affected with FASN-related conditions. An algorithm developed to predict the effect of missense changes on protein structure and function outputs the following: PolyPhen-2: "Benign". The tyrosine amino acid residue is found in multiple mammalian species, which suggests that this missense change does not adversely affect protein function. In summary, the available evidence is currently insufficient to determine the role of this variant in disease. Therefore, it has been classified as a Variant of Uncertain Significance.

NM_004104.5(FASN):c.1400T>A (p.Phe467Tyr)

Gene: FASN (fatty acid synthase; minus strand). Cytogenetic location: 17q25.3.
Variant type: single nucleotide variant.
Coding change: c.1400T>A on transcript NM_004104.5 (MANE Select); coding-DNA position 1400, T replaced by A.
Protein change: p.Phe467Tyr; replaces phenylalanine 467 with tyrosine.
Molecular consequence: missense variant.
Genome position (GRCh38, 1-based): chr17:82,091,314, A>T on the plus strand (T>A on the coding strand, the complement: FASN is on the minus strand). VCF-style: chr17-82091314-A-T. GRCh37 (hg19) VCF-style: chr17-80049190-A-T.
Other names: short protein forms F467Y.
Identifiers: ClinVar variation 4732175 (VCV004732175.1).